The following is an entry in ClinVar:

NM_001395413.1(POR):c.1499C>T (p.Ala500Val)

Gene: POR (cytochrome p450 oxidoreductase; plus strand). Cytogenetic location: 7q11.23.
Variant type: single nucleotide variant.
Coding change: c.1499C>T on transcript NM_001395413.1 (MANE Select); coding-DNA position 1499, C replaced by T.
Protein change: p.Ala500Val; replaces alanine 500 with valine.
Molecular consequence: missense variant.
Genome position (GRCh38, 1-based): chr7:75,985,688, C>T. VCF-style: chr7-75985688-C-T. GRCh37 (hg19) VCF-style: chr7-75615006-C-T.
Other names: c.1499C>T, p.Ala500Val (NM_001367562.3, NM_001382657.2, NM_001382658.3 and 1 more transcripts); c.1553C>T, p.Ala518Val (NM_001382655.3); c.1349C>T, p.Ala450Val (NM_001382662.3); short protein forms A450V, A500V, A518V.
Identifiers: ClinVar variation 256840 (VCV000256840.34), dbSNP rs1057868, ClinGen allele CA4304165.

ClinVar aggregate classification (germline): Benign/Likely benign. Review status: criteria provided, multiple submitters, no conflicts (2 of 4 stars). 9 submissions from 9 submitters: Benign (7); Likely benign (2). Last evaluated 2026-02-04.

Conditions:
Congenital adrenal hyperplasia due to cytochrome P450 oxidoreductase deficiency. Also called: DISORDERED STEROIDOGENESIS DUE TO POR DEFICIENCY. Identifiers: Orphanet 95699, MedGen C1860042, MONDO:0013310, OMIM 613571.
21-Hydroxylase-Deficient Congenital Adrenal Hyperplasia. Also called: ADRENAL HYPERPLASIA III; ADRENAL HYPERPLASIA, CONGENITAL, DUE TO 21-HYDROXYLASE DEFICIENCY. Identifiers: MedGen C2936858, OMIM 201910.

Allele frequency attached by ClinVar (database versions not stated): ESP Exome Variant Server 0.23674; TOPMed 0.25611; gnomAD 0.26722 and 0.27210; 1000 Genomes Project 30x 0.28201; 1000 Genomes Project 0.28614; gnomAD exomes 0.29354 and 0.30515; ExAC 0.36390.

Submissions (9):

Labcorp Genetics (formerly Invitae), Labcorp
Classification: Benign for Congenital adrenal hyperplasia due to cytochrome P450 oxidoreductase deficiency. Last evaluated: 2026-02-04. Review status: criteria provided, single submitter. Criteria: Invitae Variant Classification Sherloc (09022015). Collection method: clinical testing. Allele origin: germline.

ARUP Laboratories, Molecular Genetics and Genomics, ARUP Laboratories
Classification: Benign. Last evaluated: 2025-07-02. Review status: criteria provided, single submitter. Criteria: ARUP Molecular Germline Variant Investigation Process 2024. Collection method: clinical testing. Allele origin: germline.

Blueprint Genetics
Classification: Benign. Last evaluated: 2024-11-27. Review status: criteria provided, single submitter. Criteria: ACMG Guidelines, 2015. Collection method: clinical testing. Allele origin: germline.

Women's Health and Genetics/Laboratory Corporation of America, LabCorp
Classification: Likely benign. Last evaluated: 2021-12-03. Review status: criteria provided, single submitter. Criteria: LabCorp Variant Classification Summary - May 2015. Collection method: clinical testing. Allele origin: germline.

Illumina Laboratory Services, Illumina
Classification: Benign for Congenital adrenal hyperplasia due to cytochrome P450 oxidoreductase deficiency. Last evaluated: 2018-03-06. Review status: criteria provided, single submitter. Criteria: ICSL Variant Classification Criteria 13 December 2019. Collection method: clinical testing. Allele origin: germline.
Comment: This variant was observed in the ICSL laboratory as part of a predisposition screen in an ostensibly healthy population. It had not been previously curated by ICSL or reported in the Human Gene Mutation Database (HGMD: prior to June 1st, 2018), and was therefore a candidate for classification through an automated scoring system. Utilizing variant allele frequency, disease prevalence and penetrance estimates, and inheritance mode, an automated score was calculated to assess if this variant is too frequent to cause the disease. Based on the score and internal cut-off values, a variant classified as benign is not then subjected to further curation. The score for this variant resulted in a classification of benign for this disease.

GeneDx
Classification: Benign. Last evaluated: 2015-03-03. Review status: criteria provided, single submitter. Criteria: GeneDx Variant Classification Process June 2021. Collection method: clinical testing. Allele origin: germline. Affected: yes.
Comment: This variant is associated with the following publications: (PMID: 26227094, 26123203, 16467261, 18230729, 24113216, 19801957, 22547083, 20940534, 20697309, 18551037, 17635179, 20732302)

Breakthrough Genomics
Classification: Likely benign. Review status: criteria provided, single submitter. Criteria: ACMG Guidelines, 2015. Collection method: not provided. Allele origin: germline. Inheritance: Autosomal recessive inheritance. Affected: yes.

Pecori Giraldi Lab, University of Milan
Classification: Benign for 21-Hydroxylase-Deficient Congenital Adrenal Hyperplasia. Review status: criteria provided, single submitter. Criteria: ACMG Guidelines, 2015. Collection method: case-control. Allele origin: germline. Affected: yes and no.

PreventionGenetics, part of Exact Sciences
Classification: Benign. Review status: criteria provided, single submitter. Criteria: ACMG Guidelines, 2015. Collection method: clinical testing. Allele origin: germline.

Literature cited by the submitters: PubMed 33666875 (cited by Pecori Giraldi Lab, University of Milan); PubMed 27068427 (cited by Pecori Giraldi Lab, University of Milan); PubMed 21070833 (cited by Pecori Giraldi Lab, University of Milan); PubMed 24847272 (cited by Pecori Giraldi Lab, University of Milan).